The following is an entry in ClinVar:

ClinVar aggregate classification (germline): Likely benign. Review status: criteria provided, single submitter (1 of 4 stars). 2 submissions from 2 submitters: Likely benign (1). 1 of the submissions does not count toward it. Last evaluated 2021-08-06.

Conditions:
Familial adenomatous polyposis 1 (FAP1). Also called: POLYPOSIS, ADENOMATOUS INTESTINAL; FAMILIAL ADENOMATOUS POLYPOSIS 1, ATTENUATED. Identifiers: MedGen C2713442, MONDO:0021056, OMIM 175100. Disease mechanism: loss of function.
Familial colorectal cancer. Identifiers: MedGen CN280943, MONDO:0023113. Disease mechanism: loss of function.

Submissions (2):

Labcorp Genetics (formerly Invitae), Labcorp
Classification: Likely benign for Familial adenomatous polyposis 1. Last evaluated: 2021-08-06. Review status: criteria provided, single submitter. Criteria: Invitae Variant Classification Sherloc (09022015). Collection method: clinical testing. Allele origin: germline.

Systems Biology Platform Zhejiang California International NanoSystems Institute
Classification: other for Familial colorectal cancer. Review status: no assertion criteria provided. Collection method: not provided. Allele origin: unknown. Not counted in ClinVar's aggregate classification.
ClinVar note: Converted during submission from cancer to other.

NM_000038.6(APC):c.7050C>A (p.Ser2350=)

Gene: APC (APC regulator of Wnt signaling pathway; plus strand). Cytogenetic location: 5q22.2.
Variant type: single nucleotide variant.
Coding change: c.7050C>A on transcript NM_000038.6 (MANE Select); coding-DNA position 7050, C replaced by A.
Protein change: p.Ser2350=; no amino-acid change (serine 2350 retained).
Molecular consequence: synonymous variant.
Genome position (GRCh38, 1-based): chr5:112,842,644, C>A. VCF-style: chr5-112842644-C-A. GRCh37 (hg19) VCF-style: chr5-112178341-C-A.
Other names: c.7050C>A, p.Ser2350= (NM_001127510.3, NM_001354895.2); c.6996C>A, p.Ser2332= (NM_001127511.3); c.7104C>A, p.Ser2368= (NM_001354896.2); c.7080C>A, p.Ser2360= (NM_001354897.2); c.6975C>A, p.Ser2325= (NM_001354898.2); c.6966C>A, p.Ser2322= (NM_001354899.2); c.6927C>A, p.Ser2309= (NM_001354900.2); c.6873C>A, p.Ser2291= (NM_001354901.2); and 5 more.
Identifiers: ClinVar variation 83248 (VCV000083248.10), dbSNP rs78556145, ClinGen allele CA012796.
Genomic context (GRCh38, chr5:112,842,644, plus strand): 5'-CCCTGGTAGAAATGGAATAAGTCCTCCTAACAAATTATCTCAACTTCCAAGGACATCATC[C>A]CCTAGTACTGCTTCAACTAAGTCCTCAGGTTCTGGAAAAATGTCATATACATCTCCAGGT-3'
Protein context (NP_000029.2, residues 2340-2360): NKLSQLPRTS[Ser2350=]PSTASTKSSG